The following is an entry in ClinVar:

ClinVar aggregate classification (germline): Likely benign. Review status: criteria provided, multiple submitters, no conflicts (2 of 4 stars). 2 submissions from 2 submitters: Likely benign (2). Last evaluated 2026-08-01.

Allele frequency attached by ClinVar (database versions not stated): gnomAD 0.00002 and 0.00003; gnomAD exomes 0.00002; ExAC 0.00001.
gnomAD v4.1: 36 of 1,613,998 alleles (0.0022%); highest among the groups gnomAD compares: Admixed American, 0.013%; no homozygotes.

Submissions (2):

CeGaT Center for Human Genetics Tuebingen
Classification: Likely benign. Last evaluated: 2026-08-01. Review status: criteria provided, single submitter. Criteria: CeGaT Center For Human Genetics Tuebingen Variant Classification Criteria Version 2. Collection method: clinical testing. Allele origin: germline. Affected: yes. Observed: 2 variant alleles.
Comment: SEC61A1: BP4, BP7

Labcorp Genetics (formerly Invitae), Labcorp
Classification: Likely benign. Last evaluated: 2026-01-22. Review status: criteria provided, single submitter. Criteria: Invitae Variant Classification Sherloc (09022015). Collection method: clinical testing. Allele origin: germline.

NM_013336.4(SEC61A1):c.1074G>A (p.Pro358=)

Genes: RUVBL1 (RuvB like AAA ATPase 1; minus strand), SEC61A1 (SEC61 translocon subunit alpha 1; plus strand). Cytogenetic location: 3q21.3.
Variant type: single nucleotide variant.
Coding change: c.1074G>A on transcript NM_013336.4 (MANE Select); coding-DNA position 1074, G replaced by A.
Protein change: p.Pro358=; no amino-acid change (proline 358 retained).
Molecular consequence: synonymous variant. On other transcripts: intron variant (1).
Genome position (GRCh38, 1-based): chr3:128,067,519, G>A. VCF-style: chr3-128067519-G-A. GRCh37 (hg19) VCF-style: chr3-127786362-G-A.
Other names: c.1092G>A, p.Pro364= (NM_001400328.1); c.915G>A, p.Pro305= (NM_001400329.1); c.940-2299C>T (NM_001319086.1).
Identifiers: ClinVar variation 1583818 (VCV001583818.12), dbSNP rs766132682, ClinGen allele CA2598568.
Genomic context (GRCh38, chr3:128,067,519, plus strand): 5'-TGGTGGCCTTTGCTATTACCTGTCCCCTCCAGAATCTTTTGGCTCCGTGTTAGAAGACCC[G>A]GTCCATGCAGTTGTATACATAGTGTTCATGCTGGGCTCCTGTGCATTCTTCTCCAAAACG-3'
Protein context (NP_037468.1, residues 348-368): PESFGSVLED[Pro358=]VHAVVYIVFM